The following is an entry in ClinVar:

ClinVar aggregate classification (germline): Likely benign (1 of 4 stars; one submission).

Allele frequency attached by ClinVar (database versions not stated): ExAC 0.00001; TOPMed 0.00002 and 0.00001; gnomAD 0.00001; gnomAD exomes 0.00001.
gnomAD v4.1: 35 of 1,613,820 alleles (0.0022%); highest among the groups gnomAD compares: Non-Finnish European, 0.0027%; no homozygotes.

Submission:

Laboratory for Molecular Medicine, Mass General Brigham Personalized Medicine
Classification: Likely benign. Last evaluated: 2016-04-08. Review status: criteria provided, single submitter. Criteria: LMM Criteria. Collection method: clinical testing. Allele origin: germline. Observed: 1 variant allele.
Comment: p.Val46Ile in exon 3 of CCDC50: This variant is not expected to have clinical si gnificance due to a lack of conservation across species, including mammals. Of n ote, >10 mammals have an isoleucine (Ile) at this position despite high nearby a mino acid conservation. It has been reported in 1/16512 of South Asian chromosom es by the Exome Aggregation Consortium (ExAC; db SNP rs762006742).

NM_178335.3(CCDC50):c.136G>A (p.Val46Ile)

Gene: CCDC50 (coiled-coil domain containing 50; plus strand). Cytogenetic location: 3q28.
Variant type: single nucleotide variant.
Coding change: c.136G>A on transcript NM_178335.3 (MANE Select); coding-DNA position 136, G replaced by A.
Protein change: p.Val46Ile; replaces valine 46 with isoleucine.
Molecular consequence: missense variant.
Genome position (GRCh38, 1-based): chr3:191,358,021, G>A. VCF-style: chr3-191358021-G-A. GRCh37 (hg19) VCF-style: chr3-191075810-G-A.
Other names: c.136G>A, p.Val46Ile (NM_174908.4); short protein forms V46I.
Identifiers: ClinVar variation 504919 (VCV000504919.4), dbSNP rs762006742, ClinGen allele CA2755166.
Genomic context (GRCh38, chr3:191,358,021, plus strand): 5'-ACATTATTCATTCCTGTCCTCAATCTTTTTGTTCCAGTTGAGCATCATTTGGCATCGAAC[G>A]TTCAGCGGAACCGTTTGGTCCAGCATGATCTCCAGGTGGCTAAGCAGCTCCAAGAGGAAG-3'
Protein context (NP_848018.1, residues 36-56): QEIEHHLASN[Val46Ile]QRNRLVQHDL